The following is an entry in ClinVar:

ClinVar aggregate classification (germline): Uncertain significance (1 of 4 stars; one submission).

Allele frequency attached by ClinVar (database versions not stated): gnomAD exomes below 0.00001.
gnomAD v4.1: 1 of 1,613,348 alleles (0.000062%); highest among the groups gnomAD compares: Non-Finnish European, 0.000085%; no homozygotes.

Submission:

Labcorp Genetics (formerly Invitae), Labcorp
Classification: Uncertain significance. Last evaluated: 2022-08-23. Review status: criteria provided, single submitter. Criteria: Invitae Variant Classification Sherloc (09022015). Collection method: clinical testing. Allele origin: germline.
Comment: In summary, the available evidence is currently insufficient to determine the role of this variant in disease. Therefore, it has been classified as a Variant of Uncertain Significance. Algorithms developed to predict the effect of sequence changes on RNA splicing suggest that this variant may disrupt the consensus splice site. ClinVar contains an entry for this variant (Variation ID: 1436058). This variant has not been reported in the literature in individuals affected with SAMD11-related conditions. This variant is not present in population databases (gnomAD no frequency). This sequence change creates a premature translational stop signal (p.Gln126*) in the SAMD11 gene. It is expected to result in an absent or disrupted protein product. However, the current clinical and genetic evidence is not sufficient to establish whether loss-of-function variants in SAMD11 cause disease.

NM_001385641.1(SAMD11):c.913C>T (p.Gln305Ter)

Gene: SAMD11 (sterile alpha motif domain containing 11; plus strand). Cytogenetic location: 1p36.33.
Variant type: single nucleotide variant.
Coding change: c.913C>T on transcript NM_001385641.1 (MANE Select); coding-DNA position 913, C replaced by T.
Protein change: p.Gln305Ter; replaces glutamine 305 with a stop codon.
Molecular consequence: nonsense.
Genome position (GRCh38, 1-based): chr1:935,842, C>T. VCF-style: chr1-935842-C-T. GRCh37 (hg19) VCF-style: chr1-871222-C-T.
Other names: c.913C>T, p.Gln305Ter (NM_001385640.1); c.376C>T, p.Gln126Ter (NM_152486.4); short protein forms Q126*, Q305*.
Identifiers: ClinVar variation 1436058 (VCV001436058.6), dbSNP rs2100330266, ClinGen allele CA337797727.